The following is an entry in ClinVar:

ClinVar aggregate classification (germline): Conflicting classifications of pathogenicity. Review status: criteria provided, conflicting classifications (1 of 4 stars). 2 submissions from 2 submitters: Uncertain significance (1); Likely benign (1). Last evaluated 2023-07-07.

Conditions:
Hereditary cancer-predisposing syndrome. Also called: Neoplastic Syndromes, Hereditary; Tumor predisposition; Hereditary Cancer Syndrome; Hereditary neoplastic syndrome. Identifiers: Orphanet 140162, MedGen C0027672, MeSH D009386, MONDO:0015356.
Hereditary breast ovarian cancer syndrome. Also called: Hereditary breast and ovarian cancer syndrome (HBOC); Hereditary breast and ovarian cancer; BRCA1- and BRCA2-Associated Hereditary Breast and Ovarian Cancer; Hereditary breast and ovarian cancer syndrome; Breast and ovarian cancer; Hereditary breast and/or ovarian cancer syndrome. Identifiers: Orphanet 145, MedGen C0677776, MeSH D061325, MONDO:0003582. Disease mechanism: loss of function.

Allele frequency attached by ClinVar (database versions not stated): gnomAD exomes below 0.00001.
gnomAD v4.1: 1 of 1,612,154 alleles (0.000062%); no homozygotes.

Submissions (2):

Ambry Genetics
Classification: Likely benign for Hereditary cancer-predisposing syndrome. Last evaluated: 2023-07-07. Review status: criteria provided, single submitter. Criteria: Ambry Variant Classification Scheme 2023. Collection method: clinical testing. Allele origin: germline.

Labcorp Genetics (formerly Invitae), Labcorp
Classification: Uncertain significance for Hereditary breast ovarian cancer syndrome. Last evaluated: 2022-03-12. Review status: criteria provided, single submitter. Criteria: Invitae Variant Classification Sherloc (09022015). Collection method: clinical testing. Allele origin: germline.
Comment: In summary, the available evidence is currently insufficient to determine the role of this variant in disease. Therefore, it has been classified as a Variant of Uncertain Significance. Variants that disrupt the consensus splice site are a relatively common cause of aberrant splicing (PMID: 17576681, 9536098). Algorithms developed to predict the effect of sequence changes on RNA splicing suggest that this variant is not likely to affect RNA splicing. This variant has not been reported in the literature in individuals affected with BRCA2-related conditions. The frequency data for this variant in the population databases is considered unreliable, as metrics indicate poor data quality at this position in the gnomAD database. This sequence change falls in intron 2 of the BRCA2 gene. It does not directly change the encoded amino acid sequence of the BRCA2 protein. It affects a nucleotide within the consensus splice site.

Literature cited by the submitters: PubMed 17576681 (cited by Labcorp Genetics (formerly Invitae), Labcorp); PubMed 9536098 (cited by Labcorp Genetics (formerly Invitae), Labcorp).

NM_000059.4(BRCA2):c.67+5T>C

Gene: BRCA2 (BRCA2 DNA repair associated; plus strand). Cytogenetic location: 13q13.1.
Variant type: single nucleotide variant.
Coding change: c.67+5T>C on transcript NM_000059.4 (MANE Select); 5 bases into the intron after coding-DNA position 67, T replaced by C.
Molecular consequence: intron variant.
Genome position (GRCh38, 1-based): chr13:32,316,532, T>C. VCF-style: chr13-32316532-T-C. GRCh37 (hg19) VCF-style: chr13-32890669-T-C.
Identifiers: ClinVar variation 1755006 (VCV001755006.9), dbSNP rs587781738, ClinGen allele CA609083265.